The following is an entry in ClinVar:

ClinVar aggregate classification (germline): Pathogenic (1 of 4 stars; one submission).

Submission:

Labcorp Genetics (formerly Invitae), Labcorp
Classification: Pathogenic. Last evaluated: 2024-04-25. Review status: criteria provided, single submitter. Criteria: Invitae Variant Classification Sherloc (09022015). Collection method: clinical testing. Allele origin: germline.
Comment: This sequence change creates a premature translational stop signal (p.Trp196*) in the LEMD3 gene. It is expected to result in an absent or disrupted protein product. Loss-of-function variants in LEMD3 are known to be pathogenic (PMID: 15489854, 19438932). This variant is not present in population databases (gnomAD no frequency). This variant has not been reported in the literature in individuals affected with LEMD3-related conditions. For these reasons, this variant has been classified as Pathogenic.

Literature cited by the submitters: PubMed 15489854; PubMed 19438932.

NM_014319.5(LEMD3):c.588G>A (p.Trp196Ter)

Gene: LEMD3 (LEM domain containing 3; plus strand). Cytogenetic location: 12q14.3.
Variant type: single nucleotide variant.
Coding change: c.588G>A on transcript NM_014319.5 (MANE Select); coding-DNA position 588, G replaced by A.
Protein change: p.Trp196Ter; replaces tryptophan 196 with a stop codon.
Molecular consequence: nonsense.
Genome position (GRCh38, 1-based): chr12:65,170,184, G>A. VCF-style: chr12-65170184-G-A. GRCh37 (hg19) VCF-style: chr12-65563964-G-A.
Other names: c.588G>A, p.Trp196Ter (NM_001167614.2); short protein forms W196*.
Identifiers: ClinVar variation 3650902 (VCV003650902.2).